The following is an entry in ClinVar:

ClinVar aggregate classification (germline): Benign. Review status: criteria provided, single submitter (1 of 4 stars). 2 submissions from 2 submitters: Benign (1). 1 of the submissions does not count toward it. Last evaluated 2024-08-28.

Conditions:
CREBBP-related disorder. Also called: CREBBP-related disorders; CREBBP-related condition.
Rubinstein-Taybi syndrome (RSTS). Identifiers: Orphanet 783, MedGen C0035934, MONDO:0019188.

Allele frequency attached by ClinVar (database versions not stated): gnomAD exomes below 0.00001; ExAC 0.00001; gnomAD 0.00003; TOPMed 0.00005.
gnomAD v4.1: 11 of 1,614,144 alleles (0.00068%); highest among the groups gnomAD compares: African/African-American, 0.015%; no homozygotes.

Submissions (2):

Labcorp Genetics (formerly Invitae), Labcorp
Classification: Benign for Rubinstein-Taybi syndrome. Last evaluated: 2024-08-28. Review status: criteria provided, single submitter. Criteria: Invitae Variant Classification Sherloc (09022015). Collection method: clinical testing. Allele origin: germline.

PreventionGenetics, part of Exact Sciences
Classification: Likely benign for CREBBP-related condition. Last evaluated: 2022-06-14. Review status: no assertion criteria provided. Collection method: clinical testing. Allele origin: germline. Not counted in ClinVar's aggregate classification.
Comment: This variant is classified as likely benign based on ACMG/AMP sequence variant interpretation guidelines (Richards et al. 2015 PMID: 25741868, with internal and published modifications).

NM_004380.3(CREBBP):c.4788C>T (p.Asn1596=)

Gene: CREBBP (CREB binding lysine acetyltransferase; minus strand). Cytogenetic location: 16p13.3.
Variant type: single nucleotide variant.
Coding change: c.4788C>T on transcript NM_004380.3 (MANE Select); coding-DNA position 4788, C replaced by T.
Protein change: p.Asn1596=; no amino-acid change (asparagine 1596 retained).
Molecular consequence: synonymous variant.
Genome position (GRCh38, 1-based): chr16:3,731,878, G>A on the plus strand (C>T on the coding strand, the complement: CREBBP is on the minus strand). VCF-style: chr16-3731878-G-A. GRCh37 (hg19) VCF-style: chr16-3781879-G-A.
Other names: c.4674C>T, p.Asn1558= (NM_001079846.1); c.4788C>T (NM_004380.2).
Identifiers: ClinVar variation 2893935 (VCV002893935.5), dbSNP rs752665502, ClinGen allele CA7869423.
Genomic context (GRCh38, chr16:3,731,878, plus strand): 5'-GTCATTGGACACGTTGGGCATGCTGGGCTTCTTCTTGTTGGCGCGGCTGATGCTGCTTTT[G>A]TTCTTGTTGGTTTTCTTGTTGTTCTTCTTCTTGGCATTCTTGCTGTCGCCCTGACTGCCC-3'
Protein context (NP_004371.2, residues 1586-1606): KKKNNKKTNK[Asn1596=]KSSISRANKK